The following is an entry in ClinVar:

ClinVar aggregate classification (germline): Uncertain significance (1 of 4 stars; one submission).

Conditions:
Leigh syndrome (NULS). Also called: Leigh's necrotizing encephalopathy; Leigh's disease; Leigh's syndrome; LEIGH SYNDROME, NUCLEAR; Leigh Syndrome (mtDNA deletion); Leigh Disease. Identifiers: Orphanet 506, MedGen C2931891, MONDO:0009723, OMIM 256000.

Submission:

Wong Mito Lab, Molecular and Human Genetics, Baylor College of Medicine
Classification: Uncertain significance for Leigh syndrome. Last evaluated: 2019-10-17. Review status: criteria provided, single submitter. Criteria: Modified ACMG Guidelines (Unpublished). Collection method: clinical testing. Allele origin: germline.
Comment: The NC_012920.1:m.15100C>A (YP_003024038.1:p.Ile118Met) variant in MTCYB gene is interpretated to be a Uncertain Significance variant based on the modified ACMG guidelines (unpublished). This variant meets the following evidence codes: PP6, PP7, BP4

NC_012920.1(MT-CYB):m.15100C>A

Gene: MT-CYB (mitochondrially encoded cytochrome b; plus strand).
Variant type: single nucleotide variant.
Genome position: chrM-15100-C-A.
Identifiers: ClinVar variation 693825 (VCV000693825.1), dbSNP rs1603225079, ClinGen allele CA913172943.
Genomic context (GRCh38, chrMT:15,100, plus strand): 5'-CGGGCGAGGCCTATATTACGGATCATTTCTCTACTCAGAAACCTGAAACATCGGCATTAT[C>A]CTCCTGCTTGCAACTATAGCAACAGCCTTCATAGGCTATGTCCTCCCGTGAGGCCAAATA-3'